The following is an entry in ClinVar:

ClinVar aggregate classification (germline): Uncertain significance. Review status: criteria provided, multiple submitters, no conflicts (2 of 4 stars). 3 submissions from 3 submitters: Uncertain significance (3). Last evaluated 2025-06-23.

Conditions:
NEFH-related disorder. Also called: NEFH-related condition.

Allele frequency attached by ClinVar (database versions not stated): ExAC 0.00004; gnomAD exomes 0.00004; ESP Exome Variant Server 0.00008; gnomAD 0.00009; TOPMed 0.00011; 1000 Genomes Project 30x 0.00016; 1000 Genomes Project 0.00020.

Submissions (3):

PreventionGenetics, part of Exact Sciences
Classification: Uncertain significance for NEFH-related condition. Last evaluated: 2025-06-23. Review status: criteria provided, single submitter. Criteria: ACMG Guidelines, 2015. Collection method: clinical testing. Allele origin: germline.
Comment: The NEFH c.1234C>T variant is predicted to result in the amino acid substitution p.Arg412Trp. To our knowledge, this variant has not been reported in the literature. An alternative variant affecting the same amino acid (p.Arg412Gln) has been reported in an individual with amyotrophic lateral sclerosis (Krüger et al. 2016. PubMed ID: 27790088). This variant is reported in 0.016% of alleles in individuals of African descent in gnomAD. At this time, the clinical significance of this variant is uncertain due to the absence of conclusive functional and genetic evidence.

GeneDx
Classification: Uncertain significance. Last evaluated: 2024-10-11. Review status: criteria provided, single submitter. Criteria: GeneDx Variant Classification Process June 2021. Collection method: clinical testing. Allele origin: germline. Affected: yes.
Comment: In silico analysis supports that this missense variant has a deleterious effect on protein structure/function; Has not been previously published as pathogenic or benign to our knowledge

Labcorp Genetics (formerly Invitae), Labcorp
Classification: Uncertain significance. Last evaluated: 2023-11-21. Review status: criteria provided, single submitter. Criteria: Invitae Variant Classification Sherloc (09022015). Collection method: clinical testing. Allele origin: germline.
Comment: This sequence change replaces arginine, which is basic and polar, with tryptophan, which is neutral and slightly polar, at codon 412 of the NEFH protein (p.Arg412Trp). This variant is present in population databases (rs186355000, gnomAD 0.02%). This variant has not been reported in the literature in individuals affected with NEFH-related conditions. ClinVar contains an entry for this variant (Variation ID: 1442587). Advanced modeling of protein sequence and biophysical properties (such as structural, functional, and spatial information, amino acid conservation, physicochemical variation, residue mobility, and thermodynamic stability) performed at Invitae indicates that this missense variant is not expected to disrupt NEFH protein function with a negative predictive value of 95%. In summary, the available evidence is currently insufficient to determine the role of this variant in disease. Therefore, it has been classified as a Variant of Uncertain Significance.

NM_021076.4(NEFH):c.1234C>T (p.Arg412Trp)

Gene: NEFH (neurofilament heavy chain; plus strand). Cytogenetic location: 22q12.2.
Variant type: single nucleotide variant.
Coding change: c.1234C>T on transcript NM_021076.4 (MANE Select); coding-DNA position 1234, C replaced by T.
Protein change: p.Arg412Trp; replaces arginine 412 with tryptophan.
Molecular consequence: missense variant.
Genome position (GRCh38, 1-based): chr22:29,488,874, C>T. VCF-style: chr22-29488874-C-T. GRCh37 (hg19) VCF-style: chr22-29884863-C-T.
Other names: c.1234C>T (NM_021076.3); short protein forms R412W.
Identifiers: ClinVar variation 1442587 (VCV001442587.8), dbSNP rs186355000, ClinGen allele CA10174174.